The following is an entry in ClinVar:

ClinVar aggregate classification (germline): Pathogenic (3 of 4 stars; one submission).

Conditions:
AIPL1-related retinopathy. Also called: AIPL1 retinopathy. Identifiers: MedGen CN305590, MONDO:0100438.

Submission:

ClinGen Leber Congenital Amaurosis/early Onset Retinal Dystrophy Variant Curation Expert Panel, ClinGen
Classification: Pathogenic for AIPL1-related retinopathy. Last evaluated: 2025-09-29. Review status: reviewed by expert panel. Criteria: ClinGen LCAeoRD ACMG Specifications AIPL1 V1.0.0. Collection method: curation. Allele origin: germline. Inheritance: Autosomal recessive inheritance.
Comment: NM_014336.5(AIPL1):c.618_619dup (p.Cys207SerfsTer3) is a duplication of two nucleotides at position c.618_619. This is a frameshift variant that introduces a premature stop codon into exon 4 of 6 and is predicted to lead to nonsense-mediated decay in a gene in which loss-of-function is an established mechanism of disease (PVS1). This variant is absent from gnomAD v4.1.0 (PM2_Supporting). This variant has been reported in 1 proband with early-onset severe retinal dystrophy who harbored the variant in the compound heterozygous state with the NM_014336.5(AIPL1):c.265T>C (p.Cys89Arg) variant confirmed in trans (PMID: 39986747), however, the proband was not counted for PM3_Supporting to avoid circularity. At least one proband harboring this variant exhibits a phenotype including a diagnosis of AIPL1-related retinal dystrophy, severe visual disturbances in infancy or early childhood (1 pt), severely reduced visual acuity (1 pt), and participation in a gene therapy trial with strict inclusion criteria and subsequent positive results (2 pts), which together are specific for AIPL1-related retinopathy (total 4 points, PMID: 39986747, PP4). In summary, this variant meets the criteria to be classified as Pathogenic for AIPL1-related retinopathy based on the ACMG/AMP criteria applied, as specified by the ClinGen LCA/eoRD VCEP: PVS1, PM2_Supporting, and PP4. (VCEP specifications version 1.0.0; date of approval 09/24/2025).

NM_014336.5(AIPL1):c.618_619dup (p.Cys207fs)

Gene: AIPL1 (AIP like 1 HSP90 co-chaperone; minus strand). Cytogenetic location: 17p13.2.
Variant type: Duplication.
Coding change: c.618_619dup on transcript NM_014336.5 (MANE Select); coding-DNA positions 618 to 619, 2 bases duplicated (CT; older notation c.618_619dupCT).
Protein change: p.Cys207fs; shifts the reading frame from cysteine 207.
Molecular consequence: frameshift variant.
Genome position (GRCh38, 1-based): chr17:6,426,904-6,426,905, AG duplicated on the plus strand (CT on the coding strand, the reverse complement: AIPL1 is on the minus strand); duplicating any 2 consecutive bases within chr17:6,426,904-6,426,906 gives the same sequence; the c. name uses the placement nearest the transcript's 3' end. VCF-style (leftmost placement, unchanged base first): chr17-6426903-C-CAG. GRCh37 (hg19) VCF-style: chr17-6330223-C-CAG.
Other names: NM_001285403.4:c.594_595dup; c.429_430dup, p.Cys144fs (NM_001033054.3); c.438_439dup, p.Cys147fs (NM_001033055.3); c.582_583dup, p.Cys195fs (NM_001285399.3); c.552_553dup, p.Cys185fs (NM_001285400.3); c.618_619dup, p.Cys207fs (NM_001285401.3); c.501_502dup, p.Cys168fs (NM_001285402.2); c.594_595dup, p.Cys199fs (NM_001285403.4); short protein forms C144fs, C147fs, C168fs, C185fs, C195fs, C199fs, C207fs.
Identifiers: ClinVar variation 4087767 (VCV004087767.1).